The following is an entry in ClinVar:

NM_001854.4(COL11A1):c.1144G>A (p.Asp382Asn)

Gene: COL11A1 (collagen type XI alpha 1 chain; minus strand). Cytogenetic location: 1p21.1.
Variant type: single nucleotide variant.
Coding change: c.1144G>A on transcript NM_001854.4 (MANE Select); coding-DNA position 1144, G replaced by A.
Protein change: p.Asp382Asn; replaces aspartic acid 382 with asparagine.
Molecular consequence: missense variant. On other transcripts: non-coding transcript variant (1), intron variant (1).
Genome position (GRCh38, 1-based): chr1:103,022,843, C>T on the plus strand (G>A on the coding strand, the complement: COL11A1 is on the minus strand). VCF-style: chr1-103022843-C-T. GRCh37 (hg19) VCF-style: chr1-103488399-C-T.
Other names: c.1027G>A, p.Asp343Asn (NM_001190709.2); c.1180G>A, p.Asp394Asn (NM_080629.3); c.898-1074G>A (NM_080630.4); short protein forms D382N, D394N, D343N.
Identifiers: ClinVar variation 1354486 (VCV001354486.6), dbSNP rs1667210381, ClinGen allele CA341154575.
Genomic context (GRCh38, chr1:103,022,843, plus strand): 5'-CAAATTCTTCATTAGGGGGGCTTGTTGGTTTATCTTCATATTCTTTATATTCATAAAAAT[C>T]ATATTCGCCTAAATCTCCATCTACCAGAAGATCAGAATCCCTGCCGTCTATTTCTTTGTT-3'
Protein context (NP_001845.3, residues 372-392): LLVDGDLGEY[Asp382Asn]FYEYKEYEDK

ClinVar aggregate classification (germline): Uncertain significance (1 of 4 stars; one submission).

Submission:

Labcorp Genetics (formerly Invitae), Labcorp
Classification: Uncertain significance. Last evaluated: 2022-06-05. Review status: criteria provided, single submitter. Criteria: Invitae Variant Classification Sherloc (09022015). Collection method: clinical testing. Allele origin: germline.
Comment: This sequence change replaces aspartic acid, which is acidic and polar, with asparagine, which is neutral and polar, at codon 382 of the COL11A1 protein (p.Asp382Asn). This variant is not present in population databases (gnomAD no frequency). This variant has not been reported in the literature in individuals affected with COL11A1-related conditions. ClinVar contains an entry for this variant (Variation ID: 1354486). Advanced modeling of protein sequence and biophysical properties (such as structural, functional, and spatial information, amino acid conservation, physicochemical variation, residue mobility, and thermodynamic stability) performed at Invitae indicates that this missense variant is not expected to disrupt COL11A1 protein function. In summary, the available evidence is currently insufficient to determine the role of this variant in disease. Therefore, it has been classified as a Variant of Uncertain Significance.